The following is an entry in ClinVar:

ClinVar aggregate classification (germline): Conflicting classifications of pathogenicity. Review status: criteria provided, conflicting classifications (1 of 4 stars). 8 submissions from 8 submitters: Uncertain significance (7); Benign (1). Last evaluated 2026-01-14.

Conditions:
Hereditary nonpolyposis colorectal neoplasms. Identifiers: MedGen C0009405, MeSH D003123.
Hereditary cancer-predisposing syndrome. Also called: Hereditary neoplastic syndrome; Hereditary Cancer Syndrome; Neoplastic Syndromes, Hereditary; Tumor predisposition. Identifiers: Orphanet 140162, MedGen C0027672, MeSH D009386, MONDO:0015356.
Endometrial carcinoma. Also called: Endometrial carcinoma, somatic. Identifiers: MedGen C0476089, MONDO:0002447, OMIM 608089, HP:0012114.

Allele frequency attached by ClinVar (database versions not stated): gnomAD 0.00003; TOPMed 0.00002.

Submissions (8):

Labcorp Genetics (formerly Invitae), Labcorp
Classification: Benign for Hereditary nonpolyposis colorectal neoplasms. Last evaluated: 2026-01-14. Review status: criteria provided, single submitter. Criteria: Invitae Variant Classification Sherloc (09022015). Collection method: clinical testing. Allele origin: germline.

Ambry Genetics
Classification: Uncertain significance for Hereditary cancer-predisposing syndrome. Last evaluated: 2025-01-24. Review status: criteria provided, single submitter. Criteria: Ambry Variant Classification Scheme 2023. Collection method: clinical testing. Allele origin: germline.
Comment: The p.K1325R variant (also known as c.3974A>G), located in coding exon 9 of the MSH6 gene, results from an A to G substitution at nucleotide position 3974. The lysine at codon 1325 is replaced by arginine, an amino acid with highly similar properties. This amino acid position is not well conserved in available vertebrate species. In addition, this alteration is predicted to be tolerated by in silico analysis. Since supporting evidence is limited at this time, the clinical significance of this alteration remains unclear.

Color Diagnostics, LLC DBA Color Health
Classification: Uncertain significance for Hereditary cancer-predisposing syndrome. Last evaluated: 2024-08-19. Review status: criteria provided, single submitter. Criteria: ACMG Guidelines, 2015. Collection method: clinical testing. Allele origin: germline.
Comment: This missense variant replaces lysine with arginine at codon 1325 of the MSH6 protein. Computational prediction suggests that this variant may not impact protein structure and function (internally defined REVEL score threshold <= 0.5, PMID: 27666373). To our knowledge, functional studies have not been reported for this variant. This variant has not been reported in individuals affected with MSH6-related disorders in the literature. This variant has not been identified in the general population by the Genome Aggregation Database (gnomAD). The available evidence is insufficient to determine the role of this variant in disease conclusively. Therefore, this variant is classified as a Variant of Uncertain Significance.

GeneDx
Classification: Uncertain significance. Last evaluated: 2023-11-29. Review status: criteria provided, single submitter. Criteria: GeneDx Variant Classification Process June 2021. Collection method: clinical testing. Allele origin: germline. Affected: yes.
Comment: Has not been previously published as pathogenic or benign to our knowledge; Not observed at significant frequency in large population cohorts (gnomAD); In silico analysis supports that this missense variant does not alter protein structure/function; This variant is associated with the following publications: (PMID: 17531815, 21120944, 12019211)

Baylor Genetics
Classification: Uncertain significance for Endometrial carcinoma. Last evaluated: 2023-05-31. Review status: criteria provided, single submitter. Criteria: ACMG Guidelines, 2015. Collection method: clinical testing. Allele origin: unknown.

Sema4
Classification: Uncertain significance for Hereditary cancer-predisposing syndrome. Last evaluated: 2021-12-26. Review status: criteria provided, single submitter. Criteria: Sema4 Curation Guidelines. Collection method: curation. Allele origin: germline.
Comment: To the best of our knowledge, the MSH6 c.3974A>G (p.K1325R) variant has not been reported in individuals with MSH6-related disease. It was not observed in the large and broad cohorts of the Genome Aggregation Database (PMID: 32461654). This variant has been reported in ClinVar (Variation ID: 229777). Functional studies have not been performed, and in silico predictions of the variant's effect on protein function are inconclusive. The evidence is insufficient to meet ACMG/AMP criteria for classifying the variant as benign or pathogenic. Thus, the clinical significance of this variant is currently uncertain.

Women's Health and Genetics/Laboratory Corporation of America, LabCorp
Classification: Uncertain significance. Last evaluated: 2021-03-22. Review status: criteria provided, single submitter. Criteria: LabCorp Variant Classification Summary - May 2015. Collection method: clinical testing. Allele origin: germline.
Comment: Variant summary: MSH6 c.3974A>G (p.Lys1325Arg) results in a conservative amino acid change in the encoded protein sequence. Four of five in-silico tools predict a benign effect of the variant on protein function. The variant was absent in 247380 control chromosomes (gnomAD). The available data on variant occurrences in the general population are insufficient to allow any conclusion about variant significance. To our knowledge, no occurrence of c.3974A>G in individuals affected with Hereditary Nonpolyposis Colorectal Cancer and no experimental evidence demonstrating its impact on protein function have been reported. Five other ClinVar submitters (evaluation after 2014) cite the variant as uncertain significance. Based on the evidence outlined above, the variant was classified as uncertain significance.

Quest Diagnostics Nichols Institute San Juan Capistrano
Classification: Uncertain significance. Last evaluated: 2019-06-20. Review status: criteria provided, single submitter. Criteria: Quest Diagnostics criteria. Collection method: clinical testing. Allele origin: germline.

NM_000179.3(MSH6):c.3974A>G (p.Lys1325Arg)

Gene: MSH6 (mutS homolog 6; plus strand). Cytogenetic location: 2p16.3.
Variant type: single nucleotide variant.
Coding change: c.3974A>G on transcript NM_000179.3 (MANE Select); coding-DNA position 3974, A replaced by G.
Protein change: p.Lys1325Arg; replaces lysine 1325 with arginine.
Molecular consequence: missense variant.
Genome position (GRCh38, 1-based): chr2:47,806,624, A>G. VCF-style: chr2-47806624-A-G. GRCh37 (hg19) VCF-style: chr2-48033763-A-G.
Other names: c.3584A>G, p.Lys1195Arg (NM_001281492.2); c.3068A>G, p.Lys1023Arg (NM_001281493.2, NM_001281494.2); short protein forms K1325R, K1195R, K1023R.
Identifiers: ClinVar variation 229777 (VCV000229777.31), dbSNP rs876658189, ClinGen allele CA10578171.
Genomic context (GRCh38, chr2:47,806,624, plus strand): 5'-TTGCTAATCTCCCAGAGGAAGTTATTCAAAAGGGACATAGAAAAGCAAGAGAATTTGAGA[A>G]GATGAATCAGTCACTACGATTATTTCGGTAACTAACTAACTATAATGGAATTATAACTAA-3'
Protein context (NP_000170.1, residues 1315-1335): KGHRKAREFE[Lys1325Arg]MNQSLRLFRE